The following is an entry in ClinVar:

NM_007144.3(PCGF2):c.944G>A (p.Gly315Glu)

Genes: CISD3 (CDGSH iron sulfur domain 3; plus strand), PCGF2 (polycomb group ring finger 2; minus strand). Cytogenetic location: 17q12.
Variant type: single nucleotide variant.
Coding change: c.944G>A on transcript NM_007144.3 (MANE Select); coding-DNA position 944, G replaced by A.
Protein change: p.Gly315Glu; replaces glycine 315 with glutamic acid.
Molecular consequence: missense variant. On other transcripts: 3 prime UTR variant (1).
Genome position (GRCh38, 1-based): chr17:38,735,314, C>T on the plus strand (G>A on the coding strand, the complement: PCGF2 is on the minus strand). VCF-style: chr17-38735314-C-T. GRCh37 (hg19) VCF-style: chr17-36891567-C-T.
Other names: c.*1859C>T (NM_001136498.2); c.944G>A, p.Gly315Glu (NM_001369614.1, NM_001369615.1); short protein forms G315E.
Identifiers: ClinVar variation 1478692 (VCV001478692.6), dbSNP rs1049689204, ClinGen allele CA290331745.

ClinVar aggregate classification (germline): Uncertain significance (1 of 4 stars; one submission).

gnomAD v4.1: 5 of 1,534,022 alleles (0.00033%); highest among the groups gnomAD compares: Admixed American, 0.0019%; no homozygotes.

Submission:

Labcorp Genetics (formerly Invitae), Labcorp
Classification: Uncertain significance. Last evaluated: 2025-04-16. Review status: criteria provided, single submitter. Criteria: Invitae Variant Classification Sherloc (09022015). Collection method: clinical testing. Allele origin: germline.
Comment: This sequence change replaces glycine, which is neutral and non-polar, with glutamic acid, which is acidic and polar, at codon 315 of the PCGF2 protein (p.Gly315Glu). This variant is present in population databases (no rsID available, gnomAD 0.007%). This variant has not been reported in the literature in individuals affected with PCGF2-related conditions. ClinVar contains an entry for this variant (Variation ID: 1478692). An algorithm developed to predict the effect of missense changes on protein structure and function (PolyPhen-2) suggests that this variant is likely to be tolerated. In summary, the available evidence is currently insufficient to determine the role of this variant in disease. Therefore, it has been classified as a Variant of Uncertain Significance.